The following is an entry in ClinVar:

ClinVar aggregate classification (germline): Pathogenic. Review status: reviewed by expert panel (3 of 4 stars). 10 submissions from 10 submitters: Pathogenic (1). 9 of the submissions do not count toward it. Last evaluated 2016-04-22.

Conditions:
Hereditary breast ovarian cancer syndrome. Also called: Hereditary breast and ovarian cancer syndrome; Hereditary breast and ovarian cancer syndrome (HBOC); BRCA1- and BRCA2-Associated Hereditary Breast and Ovarian Cancer; Breast and ovarian cancer; Hereditary breast and ovarian cancer; Hereditary breast and/or ovarian cancer syndrome. Identifiers: Orphanet 145, MedGen C0677776, MeSH D061325, MONDO:0003582. Disease mechanism: loss of function.
Breast-ovarian cancer, familial, susceptibility to, 1 (BROVCA1). Also called: OVARIAN CANCER, SUSCEPTIBILITY TO; BRCA1 Hereditary Breast and Ovarian Cancer. Identifiers: Orphanet 145, MedGen C2676676, MONDO:0011450, OMIM 604370. Disease mechanism: loss of function.
Hereditary cancer-predisposing syndrome. Also called: Hereditary Cancer Syndrome; Hereditary neoplastic syndrome; Tumor predisposition; Neoplastic Syndromes, Hereditary. Identifiers: Orphanet 140162, MedGen C0027672, MeSH D009386, MONDO:0015356.

Submissions (10):

Evidence-based Network for the Interpretation of Germline Mutant Alleles (ENIGMA)
Classification: Pathogenic for Breast-ovarian cancer, familial, susceptibility to, 1. Last evaluated: 2016-04-22. Review status: reviewed by expert panel. Criteria: ENIGMA BRCA1/2 Classification Criteria (2015). Collection method: curation. Allele origin: germline.
Comment: Variant allele predicted to encode a truncated non-functional protein.

Ambry Genetics
Classification: Pathogenic for Hereditary cancer-predisposing syndrome. Last evaluated: 2025-04-22. Review status: criteria provided, single submitter. Criteria: Ambry Variant Classification Scheme 2023. Collection method: clinical testing. Allele origin: germline. Not counted in ClinVar's aggregate classification.
Comment: The c.3767_3768delCA pathogenic mutation, located in coding exon 9 of the BRCA1 gene, results from a deletion of two nucleotides at positions 3767 and 3768, causing a translational frameshift with a predicted alternate stop codon (p.T1256Rfs*10). This pathogenic mutation (also designated as "del CA at position 3886") has been identified in multiple high-risk breast/ovarian cancer families (Andr&eacute;s R et al. Clin Transl Oncol. 2014 Mar; 16(3):280-4; Mafficini A et al. Oncotarget. 2016 Jan; 7(2):1076-83; Kwong A et al. J Med Genet. 2016 Jan;53:15-23; Shao D et al. Cancer Sci. 2020 Feb;111:647-657; Gao X et al. Hum Mutat. 2020 03;41:696-708). This variant is considered to be rare based on population cohorts in the Genome Aggregation Database (gnomAD). In addition to the clinical data presented in the literature, this alteration is expected to result in loss of function by premature protein truncation or nonsense-mediated mRNA decay. As such, this alteration is interpreted as a disease-causing mutation.

GeneDx
Classification: Pathogenic. Last evaluated: 2025-01-30. Review status: criteria provided, single submitter. Criteria: GeneDx Variant Classification Process June 2021. Collection method: clinical testing. Allele origin: germline. Affected: yes. Not counted in ClinVar's aggregate classification.
Comment: Frameshift variant predicted to result in protein truncation or nonsense mediated decay in a gene for which loss of function is a known mechanism of disease; Not observed at significant frequency in large population cohorts (gnomAD); Observed in association with hereditary breast and/or ovarian cancer (PMID: 23982851, 26187060, 27157322, 31742824); Truncating variants in this gene are considered pathogenic by a well-established clinical consortium and/or database; Also known as 3886delCA; This variant is associated with the following publications: (PMID: 23982851, 27157322, 26315209, 26187060, 25248401, 26745875, 30702160, 31742824, 31825140)

Labcorp Genetics (formerly Invitae), Labcorp
Classification: Pathogenic for Hereditary breast ovarian cancer syndrome. Last evaluated: 2024-08-12. Review status: criteria provided, single submitter. Criteria: Invitae Variant Classification Sherloc (09022015). Collection method: clinical testing. Allele origin: germline. Not counted in ClinVar's aggregate classification.
Comment: This sequence change creates a premature translational stop signal (p.Thr1256Argfs*10) in the BRCA1 gene. It is expected to result in an absent or disrupted protein product. Loss-of-function variants in BRCA1 are known to be pathogenic (PMID: 20104584). This variant is not present in population databases (gnomAD no frequency). This premature translational stop signal has been observed in individual(s) with BRCA1-related conditions (PMID: 23982851, 27157322). This variant is also known as "3886 of CA; stop1264". ClinVar contains an entry for this variant (Variation ID: 182074). For these reasons, this variant has been classified as Pathogenic.

Baylor Genetics
Classification: Pathogenic for Breast-ovarian cancer, familial, susceptibility to, 1. Last evaluated: 2023-03-28. Review status: criteria provided, single submitter. Criteria: ACMG Guidelines, 2015. Collection method: clinical testing. Allele origin: unknown. Not counted in ClinVar's aggregate classification.

Women's Health and Genetics/Laboratory Corporation of America, LabCorp
Classification: Pathogenic for Hereditary breast and ovarian cancer syndrome. Last evaluated: 2019-06-03. Review status: criteria provided, single submitter. Criteria: LabCorp Variant Classification Summary - May 2015. Collection method: clinical testing. Allele origin: germline. Not counted in ClinVar's aggregate classification.
Comment: Variant summary: BRCA1 c.3767_3768delCA (p.Thr1256ArgfsX10) results in a premature termination codon, predicted to cause a truncation of the encoded protein or absence of the protein due to nonsense mediated decay, which are commonly known mechanisms for disease. Truncations downstream of this position have been classified as pathogenic by our laboratory. The variant was absent in 251226 control chromosomes. c.3767_3768delCA has been reported in the literature in individuals affected with Hereditary Breast and Ovarian Cancer (Andres_2014, Whitworth_2015, Kwong_2016, Mafficini_2016). These data indicate that the variant is likely to be associated with disease. To our knowledge, no experimental evidence demonstrating an impact on protein function has been reported. Five clinical diagnostic laboratories have submitted clinical-significance assessments for this variant to ClinVar after 2014 without evidence for independent evaluation. All laboratories classified the variant as pathogenic. Based on the evidence outlined above, the variant was classified as pathogenic.

Clinical Genetics and Genomics, Karolinska University Hospital
Classification: Pathogenic. Last evaluated: 2018-08-17. Review status: criteria provided, single submitter. Criteria: ACMG Guidelines, 2015. Collection method: clinical testing. Allele origin: germline. Affected: yes. Observed: 1 variant allele. Not counted in ClinVar's aggregate classification.

Laboratory for Molecular Medicine, Mass General Brigham Personalized Medicine
Classification: Pathogenic for Hereditary breast ovarian cancer syndrome. Last evaluated: 2017-01-13. Review status: criteria provided, single submitter. Criteria: LMM Criteria. Collection method: clinical testing. Allele origin: germline. Inheritance: Autosomal dominant inheritance. Observed: 2 variant alleles. Not counted in ClinVar's aggregate classification.
Comment: The p.Thr1256fs variant in BRCA1 has been reported in 1 individual with breast c ancer (Andres 2014) and was absent from large population studies. This variant i s predicted to cause a frameshift, which alters the protein?s amino acid sequenc e beginning at position 1256 and leads to a premature termination codon 10 amino acids downstream. This alteration is then predicted to lead to a truncated or a bsent protein. Heterozygous loss of function of function of the BRCA1 gene is an established disease mechanism in hereditary breast and ovarian cancer (HBOC). I n addition, this variant was classified as Pathogenic on April 22, 2016 by the C linGen-approved ENIGMA expert panel (ClinVar SCV000282318.1). In summary, the p. Thr1256fs variant meets criteria to be classified as pathogenic for HBOC in an a utosomal dominant manner.

Consortium of Investigators of Modifiers of BRCA1/2 (CIMBA), c/o University of Cambridge
Classification: Pathogenic for Breast-ovarian cancer, familial, susceptibility to, 1. Last evaluated: 2015-10-02. Review status: criteria provided, single submitter. Criteria: CIMBA Mutation Classification guidelines May 2016. Collection method: clinical testing. Allele origin: germline. Not counted in ClinVar's aggregate classification.

BRCAlab, Lund University
Classification: Pathogenic for Breast-ovarian cancer, familial, susceptibility to, 1. Last evaluated: 2020-03-02. Review status: no assertion criteria provided. Collection method: clinical testing. Allele origin: germline. Affected: yes. Not counted in ClinVar's aggregate classification.

Literature cited by the submitters: PubMed 23982851 (cited by 4 submitters); PubMed 26187060 (cited by Ambry Genetics); PubMed 26745875 (cited by Ambry Genetics and Women's Health and Genetics/Laboratory Corporation of America, LabCorp); PubMed 31742824 (cited by Ambry Genetics); PubMed 31825140 (cited by Ambry Genetics); PubMed 20104584 (cited by Labcorp Genetics (formerly Invitae), Labcorp); PubMed 27157322 (cited by Labcorp Genetics (formerly Invitae), Labcorp and Women's Health and Genetics/Laboratory Corporation of America, LabCorp); PubMed 25248401 (cited by Women's Health and Genetics/Laboratory Corporation of America, LabCorp); PubMed 25136594 (cited by Women's Health and Genetics/Laboratory Corporation of America, LabCorp); PubMed 26315209 (cited by Laboratory for Molecular Medicine, Mass General Brigham Personalized Medicine).

NM_007294.4(BRCA1):c.3767_3768del (p.Thr1256fs)

Genes: BRCA1 (BRCA1 DNA repair associated; minus strand), LOC126862571 (BRD4-independent group 4 enhancer GRCh37_chr17:41243136-41244335; plus strand). Cytogenetic location: 17q21.31.
Variant type: Microsatellite.
Coding change: c.3767_3768del on transcript NM_007294.4 (MANE Select); coding-DNA positions 3767 to 3768, 2 bases deleted (CA; older notation c.3767_3768delCA).
Protein change: p.Thr1256fs; shifts the reading frame from threonine 1256.
Molecular consequence: frameshift variant. On other transcripts: intron variant (135).
Genome position (GRCh38, 1-based): chr17:43,091,763-43,091,764, TG deleted on the plus strand (CA on the coding strand, the reverse complement: BRCA1 is on the minus strand); deleting any 2 consecutive bases within chr17:43,091,763-43,091,767 gives the same sequence; the c. name uses the placement nearest the transcript's 3' end. VCF-style (leftmost placement, unchanged base first): chr17-43091762-CTG-C. GRCh37 (hg19) VCF-style: chr17-41243779-CTG-C.
Other names: 3886delCA; c.3767_3768delCA (NM_007294.3); c.455-732_455-731del (NM_001408502.1); c.578-732_578-731del (NM_001408489.1, NM_001408479.1, NM_001408482.1 and 9 more transcripts); c.662-732_662-731del (NM_001408445.1, NM_001408432.1, NM_001408450.1 and 6 more transcripts); c.668-732_668-731del (NM_001408431.1, NM_001408424.1, NM_001408421.1); c.785-732_785-731del (NM_001408407.1, NM_001408402.1, NM_001408473.1 and 13 more transcripts); c.665-732_665-731del (NM_001408443.1, NM_001408439.1, NM_001408425.1 and 12 more transcripts); and 43 more; short protein forms T1209fs, T1256fs, T1088fs, T1129fs, T1144fs, T1145fs, T1189fs, T1255fs.
Identifiers: ClinVar variation 182074 (VCV000182074.29), dbSNP rs730881440, ClinGen allele CA002422.
Genomic context (GRCh38, chr17:43,091,762, plus strand): 5'-CCAATATTACCTGGTTACTGCAGTCATTTAAGCTATTCTTCAATGATAATAAATTCTCCT[CTG>C]TGTTCTTAGACAGACACTCGGTAGCAACGGTGCTATGCCTAGTAGACTGAGAAGGTATAT-3'